The following is an entry in ClinVar:

ClinVar aggregate classification (germline): Uncertain significance (1 of 4 stars; one submission).

Conditions:
Primary ciliary dyskinesia. Also called: Ciliary dyskinesia. Identifiers: Orphanet 244, MedGen C0008780, MONDO:0016575, HP:0012265.

Submission:

Labcorp Genetics (formerly Invitae), Labcorp
Classification: Uncertain significance for Primary ciliary dyskinesia. Last evaluated: 2025-04-01. Review status: criteria provided, single submitter. Criteria: Invitae Variant Classification Sherloc (09022015). Collection method: clinical testing. Allele origin: germline.
Comment: This sequence change replaces proline, which is neutral and non-polar, with serine, which is neutral and polar, at codon 663 of the DNAAF1 protein (p.Pro663Ser). This variant is not present in population databases (gnomAD no frequency). This variant has not been reported in the literature in individuals affected with DNAAF1-related conditions. An algorithm developed to predict the effect of missense changes on protein structure and function outputs the following: PolyPhen-2: "Benign". The serine amino acid residue is found in multiple mammalian species, which suggests that this missense change does not adversely affect protein function. In summary, the available evidence is currently insufficient to determine the role of this variant in disease. Therefore, it has been classified as a Variant of Uncertain Significance.

NM_178452.6(DNAAF1):c.1987C>T (p.Pro663Ser)

Gene: DNAAF1 (dynein axonemal assembly factor 1; plus strand). Cytogenetic location: 16q24.1.
Variant type: single nucleotide variant.
Coding change: c.1987C>T on transcript NM_178452.6 (MANE Select); coding-DNA position 1987, C replaced by T.
Protein change: p.Pro663Ser; replaces proline 663 with serine.
Molecular consequence: missense variant.
Genome position (GRCh38, 1-based): chr16:84,176,221, C>T. VCF-style: chr16-84176221-C-T. GRCh37 (hg19) VCF-style: chr16-84209827-C-T.
Other names: c.1279C>T, p.Pro427Ser (NM_001318756.1); short protein forms P427S, P663S.
Identifiers: ClinVar variation 4697520 (VCV004697520.1).
Genomic context (GRCh38, chr16:84,176,221, plus strand): 5'-CCAAGACCCCTGATCCAGGAGCTCAGCGACGAGGACCCCTCTGGCCAGCTACTGATGCCC[C>T]CCACCTGCCAAAGAGATGCTGCACCACTCACTTCCAGTGGAGACAGGGACAGCGACTTCC-3'
Protein context (NP_848547.4, residues 653-673): EDPSGQLLMP[Pro663Ser]TCQRDAAPLT